The following is an entry in ClinVar:

ClinVar aggregate classification (germline): Conflicting classifications of pathogenicity. Review status: criteria provided, conflicting classifications (1 of 4 stars). 4 submissions from 4 submitters: Uncertain significance (3); Likely benign (1). Last evaluated 2026-02-01.

Conditions:
Hereditary cancer-predisposing syndrome. Also called: Tumor predisposition; Neoplastic Syndromes, Hereditary; Hereditary neoplastic syndrome; Hereditary Cancer Syndrome. Identifiers: Orphanet 140162, MedGen C0027672, MeSH D009386, MONDO:0015356.
Hereditary breast ovarian cancer syndrome. Also called: Hereditary breast and ovarian cancer; Hereditary breast and ovarian cancer syndrome (HBOC); Breast and ovarian cancer; Hereditary breast and ovarian cancer syndrome; BRCA1- and BRCA2-Associated Hereditary Breast and Ovarian Cancer; Hereditary breast and/or ovarian cancer syndrome. Identifiers: Orphanet 145, MedGen C0677776, MeSH D061325, MONDO:0003582. Disease mechanism: loss of function.

Submissions (4):

Labcorp Genetics (formerly Invitae), Labcorp
Classification: Uncertain significance for Hereditary breast ovarian cancer syndrome. Last evaluated: 2026-02-01. Review status: criteria provided, single submitter. Criteria: Invitae Variant Classification Sherloc (09022015). Collection method: clinical testing. Allele origin: germline.
Comment: This sequence change replaces cysteine, which is neutral and slightly polar, with serine, which is neutral and polar, at codon 1225 of the BRCA1 protein (p.Cys1225Ser). This variant is not present in population databases (gnomAD no frequency). This variant has not been reported in the literature in individuals affected with BRCA1-related conditions. ClinVar contains an entry for this variant (Variation ID: 632681). Invitae Evidence Modeling of protein sequence and biophysical properties (such as structural, functional, and spatial information, amino acid conservation, physicochemical variation, residue mobility, and thermodynamic stability) indicates that this missense variant is not expected to disrupt BRCA1 protein function with a negative predictive value of 80%. In summary, the available evidence is currently insufficient to determine the role of this variant in disease. Therefore, it has been classified as a Variant of Uncertain Significance.

University of Washington Department of Laboratory Medicine, University of Washington
Classification: Likely benign for Hereditary cancer-predisposing syndrome. Last evaluated: 2023-03-23. Review status: criteria provided, single submitter. Criteria: Dines et al. (Genet Med. 2020). Collection method: curation. Allele origin: germline.
Comment: Missense variant in a coldspot region where missense variants are very unlikely to be pathogenic (PMID:31911673).

BRCA1 coldspot (exon 11 using historical exon numbering). Reclassification based on statistical prior probability

Ambry Genetics
Classification: Uncertain significance for Hereditary cancer-predisposing syndrome. Last evaluated: 2022-08-24. Review status: criteria provided, single submitter. Criteria: Ambry Variant Classification Scheme 2023. Collection method: clinical testing. Allele origin: germline.
Comment: The p.C1225S variant (also known as c.3674G>C), located in coding exon 9 of the BRCA1 gene, results from a G to C substitution at nucleotide position 3674. The cysteine at codon 1225 is replaced by serine, an amino acid with dissimilar properties. This amino acid position is conserved. In addition, the in silico prediction for this alteration is inconclusive. Since supporting evidence is limited at this time, the clinical significance of this alteration remains unclear.

Women's Health and Genetics/Laboratory Corporation of America, LabCorp
Classification: Uncertain significance. Last evaluated: 2021-06-15. Review status: criteria provided, single submitter. Criteria: LabCorp Variant Classification Summary - May 2015. Collection method: clinical testing. Allele origin: germline.
Comment: Variant summary: BRCA1 c.3674G>C (p.Cys1225Ser) results in a non-conservative amino acid change in the encoded protein sequence. Four of five in-silico tools predict a benign effect of the variant on protein function. The variant was absent in 251292 control chromosomes (gnomAD). The available data on variant occurrences in the general population are insufficient to allow any conclusion about variant significance. To our knowledge, no occurrence of c.3674G>C in individuals affected with Hereditary Breast and Ovarian Cancer Syndrome and no experimental evidence demonstrating its impact on protein function have been reported. One other ClinVar submitter (evaluation after 2014) cites the variant as uncertain significance. Based on the evidence outlined above, the variant was classified as uncertain significance.

NM_007294.4(BRCA1):c.3674G>C (p.Cys1225Ser)

Genes: BRCA1 (BRCA1 DNA repair associated; minus strand), LOC126862571 (BRD4-independent group 4 enhancer GRCh37_chr17:41243136-41244335; plus strand). Cytogenetic location: 17q21.31.
Variant type: single nucleotide variant.
Coding change: c.3674G>C on transcript NM_007294.4 (MANE Select); coding-DNA position 3674, G replaced by C.
Protein change: p.Cys1225Ser; replaces cysteine 1225 with serine.
Molecular consequence: missense variant. On other transcripts: intron variant (135).
Genome position (GRCh38, 1-based): chr17:43,091,857, C>G on the plus strand (G>C on the coding strand, the complement: BRCA1 is on the minus strand). VCF-style: chr17-43091857-C-G. GRCh37 (hg19) VCF-style: chr17-41243874-C-G.
Other names: c.3461G>C, p.Cys1154Ser (NM_001407571.1, NM_001407853.1, NM_001407894.1 and 9 more transcripts); c.3674G>C, p.Cys1225Ser (NM_001407581.1, NM_001407582.1, NM_001407583.1 and 30 more transcripts); c.3671G>C, p.Cys1224Ser (NM_001407587.1, NM_001407590.1, NM_001407591.1 and 22 more transcripts); c.3665G>C, p.Cys1222Ser (NM_001407646.1, NM_001407647.1); c.3551G>C, p.Cys1184Ser (NM_001407648.1, NM_001407664.1, NM_001407665.1 and 19 more transcripts); c.3548G>C, p.Cys1183Ser (NM_001407649.1, NM_001407670.1, NM_001407671.1 and 11 more transcripts); c.3596G>C, p.Cys1199Ser (NM_001407653.1, NM_001407654.1, NM_001407655.1 and 4 more transcripts); c.3593G>C, p.Cys1198Ser (NM_001407659.1, NM_001407660.1, NM_001407661.1 and 1 more transcripts); and 41 more; short protein forms C1225S, C1178S, C1098S, C1136S, C1157S, C1198S, C1222S, C929S.
Identifiers: ClinVar variation 632681 (VCV000632681.16), dbSNP rs1567790638, ClinGen allele CA10594620.
Genomic context (GRCh38, chr17:43,091,857, plus strand): 5'-CTATGCCTAGTAGACTGAGAAGGTATATTGTTTACTTTACCAAATAACAAGTGTTGGAAG[C>G]AGGGAAGCTCTTCATCCTCACTAGATAAGTTCTCTTCTGAGGACTCTAATTTCTTGGCCC-3'
Protein context (NP_009225.1, residues 1215-1235): NLSSEDEELP[Cys1225Ser]FQHLLFGKVN